The following is an entry in ClinVar:

ClinVar aggregate classification (germline): Likely benign (1 of 4 stars; one submission).

gnomAD v4.1: 144 of 1,613,348 alleles (0.0089%); highest among the groups gnomAD compares: African/African-American, 0.17%; no homozygotes.

Submission:

CeGaT Center for Human Genetics Tuebingen
Classification: Likely benign. Last evaluated: 2024-12-01. Review status: criteria provided, single submitter. Criteria: CeGaT Center For Human Genetics Tuebingen Variant Classification Criteria Version 2. Collection method: clinical testing. Allele origin: germline. Affected: yes. Observed: 1 variant allele.
Comment: SLC25A10: BP4, BP7

NM_012140.5(SLC25A10):c.345C>T (p.Phe115=)

Gene: SLC25A10 (solute carrier family 25 member 10; plus strand). Cytogenetic location: 17q25.3.
Variant type: single nucleotide variant.
Coding change: c.345C>T on transcript NM_012140.5 (MANE Select); coding-DNA position 345, C replaced by T.
Protein change: p.Phe115=; no amino-acid change (phenylalanine 115 retained).
Molecular consequence: synonymous variant.
Genome position (GRCh38, 1-based): chr17:81,715,709, C>T. VCF-style: chr17-81715709-C-T. GRCh37 (hg19) VCF-style: chr17-79682739-C-T.
Other names: c.345C>T, p.Phe115= (NM_001270888.2, NM_001270953.2).
Identifiers: ClinVar variation 3771229 (VCV003771229.13).
Genomic context (GRCh38, chr17:81,715,709, plus strand): 5'-CCGTGTGTCAGCACGGCTCATCTCTGGGGTTTGTGTCACCGCAGGTTTAGCTGGAGGCTT[C>T]GTGGGGACGCCCGCAGACTTGGTCAACGTCAGGTTGGTGTTCCCCCACCCCACCTGCAAG-3'
Protein context (NP_036272.2, residues 105-125): LGSVSGLAGG[Phe115=]VGTPADLVNV